The following is an entry in ClinVar:

NM_025219.3(DNAJC5):c.517A>G (p.Ile173Val)

Gene: DNAJC5 (DnaJ heat shock protein family (Hsp40) member C5; plus strand). Cytogenetic location: 20q13.33.
Variant type: single nucleotide variant.
Coding change: c.517A>G on transcript NM_025219.3 (MANE Select); coding-DNA position 517, A replaced by G.
Protein change: p.Ile173Val; replaces isoleucine 173 with valine.
Molecular consequence: missense variant.
Genome position (GRCh38, 1-based): chr20:63,931,488, A>G. VCF-style: chr20-63931488-A-G. GRCh37 (hg19) VCF-style: chr20-62562841-A-G.
Other names: short protein forms I173V.
Identifiers: ClinVar variation 4747721 (VCV004747721.1).
Genomic context (GRCh38, chr20:63,931,488, plus strand): 5'-TGGCCCTCGTGCAGTGCCCTGTGTGCTTGCTTTTCAGAGGCCACAGACACGCCGATCGTC[A>G]TACAGCCGGCATCCGCCACCGAGACCACCCAGCTCACAGCCGACTCCCACCCCAGCTACC-3'
Protein context (NP_079495.1, residues 163-183): EREATDTPIV[Ile173Val]QPASATETTQ

ClinVar aggregate classification (germline): Uncertain significance (1 of 4 stars; one submission).

Conditions:
Neuronal ceroid lipofuscinosis. Also called: Neuronal Ceroid Lipofuscinoses. Identifiers: Orphanet 216, Orphanet 79263, MedGen C0027877, MONDO:0016295. Disease mechanism: loss of function.

gnomAD v4.1: 1 of 1,570,004 alleles (0.000064%); highest among the groups gnomAD compares: African/African-American, 0.0014%; no homozygotes.

Submission:

Labcorp Genetics (formerly Invitae), Labcorp
Classification: Uncertain significance for Neuronal ceroid lipofuscinosis. Last evaluated: 2025-04-26. Review status: criteria provided, single submitter. Criteria: Invitae Variant Classification Sherloc (09022015). Collection method: clinical testing. Allele origin: germline.
Comment: This sequence change replaces isoleucine, which is neutral and non-polar, with valine, which is neutral and non-polar, at codon 173 of the DNAJC5 protein (p.Ile173Val). This variant is not present in population databases (gnomAD no frequency). This variant has not been reported in the literature in individuals affected with DNAJC5-related conditions. An algorithm developed to predict the effect of missense changes on protein structure and function outputs the following: PolyPhen-2: "Benign". The valine amino acid residue is found in multiple mammalian species, which suggests that this missense change does not adversely affect protein function. In summary, the available evidence is currently insufficient to determine the role of this variant in disease. Therefore, it has been classified as a Variant of Uncertain Significance.